The following is an entry in ClinVar:

NM_025099.6(CTC1):c.*1477G>C

Gene: CTC1 (CST telomere replication complex component 1; minus strand). Cytogenetic location: 17p13.1.
Variant type: single nucleotide variant.
Coding change: c.*1477G>C on transcript NM_025099.6 (MANE Select); 1477 bases downstream of the stop codon, G replaced by C.
Molecular consequence: 3 prime UTR variant. On other transcripts: non-coding transcript variant (1).
Genome position (GRCh38, 1-based): chr17:8,226,703, C>G on the plus strand (G>C on the coding strand, the complement: CTC1 is on the minus strand). VCF-style: chr17-8226703-C-G. GRCh37 (hg19) VCF-style: chr17-8130021-C-G.
Identifiers: ClinVar variation 888763 (VCV000888763.4), dbSNP rs112336268, ClinGen allele CA287527628.

ClinVar aggregate classification (germline): Likely benign (1 of 4 stars; one submission).

Conditions:
Dyskeratosis congenita. Identifiers: Orphanet 1775, MedGen C0265965, MONDO:0015780.

Allele frequency attached by ClinVar (database versions not stated): 1000 Genomes Project 0.00100; 1000 Genomes Project 30x 0.00125; TOPMed 0.00125.

Submission:

Illumina Laboratory Services, Illumina
Classification: Likely benign for Dyskeratosis congenita. Last evaluated: 2018-01-12. Review status: criteria provided, single submitter. Criteria: ICSL Variant Classification Criteria 13 December 2019. Collection method: clinical testing. Allele origin: germline.
Comment: This variant was observed in the ICSL laboratory as part of a predisposition screen in an ostensibly healthy population. It had not been previously curated by ICSL or reported in the Human Gene Mutation Database (HGMD: prior to June 1st, 2018), and was therefore a candidate for classification through an automated scoring system. Utilizing variant allele frequency, disease prevalence and penetrance estimates, and inheritance mode, an automated score was calculated to assess if this variant is too frequent to cause the disease. Based on the score and internal cut-off values, a variant classified as likely benign is not then subjected to further curation. The score for this variant resulted in a classification of likely benign for this disease.